The following is an entry in ClinVar:

ClinVar aggregate classification (germline): Uncertain significance. Review status: criteria provided, multiple submitters, no conflicts (2 of 4 stars). 3 submissions from 3 submitters: Uncertain significance (3). Last evaluated 2025-12-02.

Conditions:
LZTR1-related schwannomatosis. Also called: Schwannomatosis-2, susceptibility to; Schwannomatosis 2. Identifiers: Orphanet 93921, MedGen C3810283, MONDO:0014299, OMIM 615670.
Hereditary cancer-predisposing syndrome. Also called: Neoplastic Syndromes, Hereditary; Tumor predisposition; Hereditary neoplastic syndrome; Hereditary Cancer Syndrome. Identifiers: Orphanet 140162, MedGen C0027672, MeSH D009386, MONDO:0015356.
Cardiovascular phenotype. Identifiers: MedGen CN230736.

Allele frequency attached by ClinVar (database versions not stated): ExAC 0.00001; gnomAD 0.00001; gnomAD exomes 0.00001; 1000 Genomes Project 30x 0.00031; 1000 Genomes Project 0.00040.
gnomAD v4.1: 3 of 1,614,088 alleles (0.00019%); highest among the groups gnomAD compares: East Asian, 0.0067%; no homozygotes.

Submissions (3):

Labcorp Genetics (formerly Invitae), Labcorp
Classification: Uncertain significance. Last evaluated: 2025-12-02. Review status: criteria provided, single submitter. Criteria: Invitae Variant Classification Sherloc (09022015). Collection method: clinical testing. Allele origin: germline.
Comment: This sequence change replaces tyrosine, which is neutral and polar, with phenylalanine, which is neutral and non-polar, at codon 183 of the LZTR1 protein (p.Tyr183Phe). This variant is not present in population databases (gnomAD no frequency). This variant has not been reported in the literature in individuals affected with LZTR1-related conditions. ClinVar contains an entry for this variant (Variation ID: 1373888). Invitae Evidence Modeling of protein sequence and biophysical properties (such as structural, functional, and spatial information, amino acid conservation, physicochemical variation, residue mobility, and thermodynamic stability) indicates that this missense variant is not expected to disrupt LZTR1 protein function with a negative predictive value of 80%. In summary, the available evidence is currently insufficient to determine the role of this variant in disease. Therefore, it has been classified as a Variant of Uncertain Significance.

Ambry Genetics
Classification: Uncertain significance for Cardiovascular phenotype; Hereditary cancer-predisposing syndrome. Last evaluated: 2025-10-13. Review status: criteria provided, single submitter. Criteria: Ambry Variant Classification Scheme 2023. Collection method: clinical testing. Allele origin: germline.
Comment: The p.Y183F variant (also known as c.548A>T), located in coding exon 6 of the LZTR1 gene, results from an A to T substitution at nucleotide position 548. The tyrosine at codon 183 is replaced by phenylalanine, an amino acid with highly similar properties. This amino acid position is highly conserved in available vertebrate species. In addition, this alteration is predicted to be tolerated by in silico analysis. Since supporting evidence is limited at this time, the clinical significance of this alteration remains unclear.

Baylor Genetics
Classification: Uncertain significance for LZTR1-related schwannomatosis. Last evaluated: 2023-08-28. Review status: criteria provided, single submitter. Criteria: ACMG Guidelines, 2015. Collection method: clinical testing. Allele origin: unknown.

NM_006767.4(LZTR1):c.548A>T (p.Tyr183Phe)

Gene: LZTR1 (leucine zipper like post translational regulator 1; plus strand). Cytogenetic location: 22q11.21.
Variant type: single nucleotide variant.
Coding change: c.548A>T on transcript NM_006767.4 (MANE Select); coding-DNA position 548, A replaced by T.
Protein change: p.Tyr183Phe; replaces tyrosine 183 with phenylalanine.
Molecular consequence: missense variant.
Genome position (GRCh38, 1-based): chr22:20,988,827, A>T. VCF-style: chr22-20988827-A-T. GRCh37 (hg19) VCF-style: chr22-21343116-A-T.
Other names: short protein forms Y183F.
Identifiers: ClinVar variation 1373888 (VCV001373888.9), dbSNP rs538624569, ClinGen allele CA10118487.